The following is an entry in ClinVar:

NM_000292.3(PHKA2):c.3190C>T (p.Gln1064Ter)

Gene: PHKA2 (phosphorylase kinase regulatory subunit alpha 2; minus strand). Cytogenetic location: Xp22.13.
Variant type: single nucleotide variant.
Coding change: c.3190C>T on transcript NM_000292.3 (MANE Select); coding-DNA position 3190, C replaced by T.
Protein change: p.Gln1064Ter; replaces glutamine 1064 with a stop codon.
Molecular consequence: nonsense.
Genome position (GRCh38, 1-based): chrX:18,897,255, G>A on the plus strand (C>T on the coding strand, the complement: PHKA2 is on the minus strand). VCF-style: chrX-18897255-G-A. GRCh37 (hg19) VCF-style: chrX-18915373-G-A.
Other names: short protein forms Q1064*.
Identifiers: ClinVar variation 3344432 (VCV003344432.1).

ClinVar aggregate classification (germline): Likely pathogenic (0 of 4 stars; one submission).

Conditions:
PHKA2-related disorder. Also called: PHKA2-related condition.

Submission:

PreventionGenetics, part of Exact Sciences
Classification: Likely pathogenic for PHKA2-related condition. Last evaluated: 2024-06-23. Review status: no assertion criteria provided. Collection method: clinical testing. Allele origin: germline.
Comment: The PHKA2 c.3190C>T variant is predicted to result in premature protein termination (p.Gln1064*). To our knowledge, this variant has not been reported in the literature or in a large population database, indicating this variant is rare. Nonsense variants in PHKA2 are expected to be pathogenic. This variant is interpreted as likely pathogenic.